The following is an entry in ClinVar:

ClinVar aggregate classification (germline): Uncertain significance (1 of 4 stars; one submission).

Conditions:
POMC-related disorder. Also called: POMC-related disorders; POMC-related condition.

gnomAD v4.1: 1 of 1,613,854 alleles (0.000062%); highest among the groups gnomAD compares: South Asian, 0.0011%; no homozygotes.

Submission:

PreventionGenetics, part of Exact Sciences
Classification: Uncertain significance for POMC-related condition. Last evaluated: 2025-07-14. Review status: criteria provided, single submitter. Criteria: ACMG Guidelines, 2015. Collection method: clinical testing. Allele origin: germline.
Comment: The POMC c.730G>T variant is predicted to result in premature protein termination (p.Glu244*). This variant was reported in the heterozygous state in an individual with late-onset obesity (Buono et al. 2005. PubMed ID: 15951321). This variant has not been reported in a large population database (gnomAD), indicating this variant is rare. This nonsense variant occurs near the 3’ end of the last POMC exon, and no clearly-established pathogenic variants have been documented downstream of this variant. At this time, the clinical significance of this variant is uncertain due to the absence of conclusive functional and genetic evidence.

NM_000939.4(POMC):c.730G>T (p.Glu244Ter)

Gene: POMC (proopiomelanocortin; minus strand). Cytogenetic location: 2p23.3.
Variant type: single nucleotide variant.
Coding change: c.730G>T on transcript NM_000939.4 (MANE Select); coding-DNA position 730, G replaced by T.
Protein change: p.Glu244Ter; replaces glutamic acid 244 with a stop codon.
Molecular consequence: nonsense.
Genome position (GRCh38, 1-based): chr2:25,161,155, C>A on the plus strand (G>T on the coding strand, the complement: POMC is on the minus strand). VCF-style: chr2-25161155-C-A. GRCh37 (hg19) VCF-style: chr2-25384024-C-A.
Other names: c.730G>T, p.Glu244Ter (NM_001035256.3, NM_001319204.2, NM_001319205.2); short protein forms E244*.
Identifiers: ClinVar variation 5001655 (VCV005001655.1).